The following is an entry in ClinVar:

NM_005902.4(SMAD3):c.400+1G>C

Gene: SMAD3 (SMAD family member 3; plus strand). Cytogenetic location: 15q22.33.
Variant type: single nucleotide variant.
Coding change: c.400+1G>C on transcript NM_005902.4 (MANE Select); the canonical splice donor site of the intron after coding-DNA position 400, G replaced by C.
Molecular consequence: splice donor variant.
Genome position (GRCh38, 1-based): chr15:67,165,089, G>C. VCF-style: chr15-67165089-G-C. GRCh37 (hg19) VCF-style: chr15-67457427-G-C.
Other names: c.400+1G>C (NM_001407011.1, NM_001407013.1, NM_001407012.1); c.253+1G>C (NM_001407014.1); c.85+1G>C (NM_001145102.2, NM_001407015.1, NM_001407016.1); c.268+1G>C (NM_001145103.2).
Identifiers: ClinVar variation 3659099 (VCV003659099.2).

ClinVar aggregate classification (germline): Likely pathogenic (1 of 4 stars; one submission).

Conditions:
Familial thoracic aortic aneurysm and aortic dissection (TAAD). Also called: Thoracic aortic aneurysms and dissections. Identifiers: Orphanet 91387, MedGen C4707243, MONDO:0019625.

gnomAD v4.1: 1 of 1,614,150 alleles (0.000062%); highest among the groups gnomAD compares: Non-Finnish European, 0.000085%; no homozygotes.

Submission:

Labcorp Genetics (formerly Invitae), Labcorp
Classification: Likely pathogenic for Familial thoracic aortic aneurysm and aortic dissection. Last evaluated: 2024-08-31. Review status: criteria provided, single submitter. Criteria: Invitae Variant Classification Sherloc (09022015). Collection method: clinical testing. Allele origin: germline.
Comment: This sequence change affects a donor splice site in intron 2 of the SMAD3 gene. It is expected to disrupt RNA splicing. Variants that disrupt the donor or acceptor splice site typically lead to a loss of protein function (PMID: 16199547), and loss-of-function variants in SMAD3 are known to be pathogenic (PMID: 21778426, 24804794). This variant is not present in population databases (gnomAD no frequency). This variant has not been reported in the literature in individuals affected with SMAD3-related conditions. Algorithms developed to predict the effect of sequence changes on RNA splicing suggest that this variant may disrupt the consensus splice site. In summary, the currently available evidence indicates that the variant is pathogenic, but additional data are needed to prove that conclusively. Therefore, this variant has been classified as Likely Pathogenic.

Literature cited by the submitters: PubMed 16199547; PubMed 21778426; PubMed 24804794.